The following is an entry in ClinVar:

NM_006565.4(CTCF):c.1150T>C (p.Cys384Arg)

Gene: CTCF (CCCTC-binding factor; plus strand). Cytogenetic location: 16q22.1.
Variant type: single nucleotide variant.
Coding change: c.1150T>C on transcript NM_006565.4 (MANE Select); coding-DNA position 1150, T replaced by C.
Protein change: p.Cys384Arg; replaces cysteine 384 with arginine.
Molecular consequence: missense variant.
Genome position (GRCh38, 1-based): chr16:67,620,760, T>C. VCF-style: chr16-67620760-T-C. GRCh37 (hg19) VCF-style: chr16-67654663-T-C.
Other names: c.166T>C, p.Cys56Arg (NM_001191022.2); c.1150T>C, p.Cys384Arg (NM_001363916.2); short protein forms C384R, C56R.
Identifiers: ClinVar variation 3897615 (VCV003897615.1).

ClinVar aggregate classification (germline): Likely pathogenic (1 of 4 stars; one submission).

Conditions:
CTCF-related neurodevelopmental disorder. Also called: Intellectual disability-feeding difficulties-developmental delay-microcephaly syndrome; INTELLECTUAL DEVELOPMENTAL DISORDER, AUTOSOMAL DOMINANT 21. Identifiers: Orphanet 363611, MedGen C3809686, MONDO:0014213, OMIM 615502.

Submission:

Genetics Laboratory, UDIAT-Centre Diagnòstic, Hospital Universitari Parc Tauli
Classification: Likely pathogenic for intellectual disability-feeding difficulties-developmental delay-microcephaly syndrome. Last evaluated: 2023-07-31. Review status: criteria provided, single submitter. Criteria: ACMG Guidelines, 2015. Collection method: clinical testing. Allele origin: unknown. Inheritance: Autosomal dominant inheritance. Affected: yes.
Comment: PM1_moderate;PM2_supporting;PM6_moderate;PP3_moderate